The following is an entry in ClinVar:

ClinVar aggregate classification (germline): Benign (1 of 4 stars; one submission).

Conditions:
Sjögren-Larsson syndrome (SLS). Also called: FALDH DEFICIENCY; FATTY ALCOHOL:NAD+ OXIDOREDUCTASE DEFICIENCY; FATTY ALDEHYDE DEHYDROGENASE DEFICIENCY; ICHTHYOSIS, SPASTIC NEUROLOGIC DISORDER, AND OLIGOPHRENIA. Identifiers: Orphanet 816, MedGen C0037231, MONDO:0010031, OMIM 270200.

Allele frequency attached by ClinVar (database versions not stated): gnomAD 0.00802; 1000 Genomes Project 0.00819; 1000 Genomes Project 30x 0.00906; TOPMed 0.01195.

Submission:

Illumina Laboratory Services, Illumina
Classification: Benign for Sjögren-Larsson syndrome. Last evaluated: 2018-01-13. Review status: criteria provided, single submitter. Criteria: ICSL Variant Classification Criteria 13 December 2019. Collection method: clinical testing. Allele origin: germline.
Comment: This variant was observed in the ICSL laboratory as part of a predisposition screen in an ostensibly healthy population. It had not been previously curated by ICSL or reported in the Human Gene Mutation Database (HGMD: prior to June 1st, 2018), and was therefore a candidate for classification through an automated scoring system. Utilizing variant allele frequency, disease prevalence and penetrance estimates, and inheritance mode, an automated score was calculated to assess if this variant is too frequent to cause the disease. Based on the score and internal cut-off values, a variant classified as benign is not then subjected to further curation. The score for this variant resulted in a classification of benign for this disease.

NM_000382.3(ALDH3A2):c.*1256C>G

Gene: ALDH3A2 (aldehyde dehydrogenase 3 family member A2; plus strand). Cytogenetic location: 17p11.2.
Variant type: single nucleotide variant.
Coding change: c.*1256C>G on transcript NM_000382.3 (MANE Select); 1256 bases downstream of the stop codon, C replaced by G.
Molecular consequence: 3 prime UTR variant.
Genome position (GRCh38, 1-based): chr17:19,676,828, C>G. VCF-style: chr17-19676828-C-G. GRCh37 (hg19) VCF-style: chr17-19580141-C-G.
Other names: c.*1312C>G (NM_001031806.2, NM_001369136.1, NM_001369137.2); c.*1256C>G (NM_001369138.2, NM_001369139.1, NM_001369148.2); c.*1203C>G (NM_001369146.2).
Identifiers: ClinVar variation 322232 (VCV000322232.5), dbSNP rs76969741, ClinGen allele CA10639154.